The following is an entry in ClinVar:

NM_005094.4(SLC27A4):c.199C>T (p.Arg67Ter)

Gene: SLC27A4 (solute carrier family 27 member 4; plus strand). Cytogenetic location: 9q34.11.
Variant type: single nucleotide variant.
Coding change: c.199C>T on transcript NM_005094.4 (MANE Select); coding-DNA position 199, C replaced by T.
Protein change: p.Arg67Ter; replaces arginine 67 with a stop codon.
Molecular consequence: nonsense.
Genome position (GRCh38, 1-based): chr9:128,345,192, C>T. VCF-style: chr9-128345192-C-T. GRCh37 (hg19) VCF-style: chr9-131107471-C-T.
Other names: short protein forms R67*.
Identifiers: ClinVar variation 3596462 (VCV003596462.2).

ClinVar aggregate classification (germline): Pathogenic/Likely pathogenic. Review status: criteria provided, multiple submitters, no conflicts (2 of 4 stars). 2 submissions from 2 submitters: Pathogenic (1); Likely pathogenic (1). Last evaluated 2026-07-19.

Conditions:
Ichthyosis prematurity syndrome (IPS). Also called: ICHTHYOSIS CONGENITA IV. Identifiers: Orphanet 88621, MedGen C1837610, MONDO:0012089, OMIM 608649.

gnomAD v4.1: 7 of 1,613,496 alleles (0.00043%); highest among the groups gnomAD compares: Admixed American, 0.005%; no homozygotes.

Submissions (2):

Victorian Clinical Genetics Services, Murdoch Childrens Research Institute
Classification: Pathogenic for Ichthyosis prematurity syndrome. Last evaluated: 2026-07-19. Review status: criteria provided, single submitter. Criteria: ACMG Guidelines, 2015. Collection method: clinical testing. Allele origin: germline. Affected: yes.
Comment: This variant is classified as Pathogenic. Evidence in support of pathogenic classification: This variant is predicted to cause nonsense-mediated decay (NMD) and loss of protein (premature termination codon is located at least 54 nucleotides upstream of the final exon-exon junction); This variant is present in gnomAD <0.01 for a recessive condition (v4: 7 heterozygote(s), 0 homozygote(s)); This variant has limited previous evidence of pathogenicity in an unrelated individual(s). This variant has been classified as likely pathogenic by a clinical laboratory in ClinVar; Other variants comparable to the one identified in this case have very strong previous evidence for pathogenicity (DECIPHER); Strong phenotype match for this individual. Additional information: This variant is heterozygous; This gene is associated with autosomal recessive disease; Loss of function is a known mechanism of disease in this gene and is associated with ichthyosis prematurity syndrome (MIM#608649); Inheritance information for this variant is not currently available in this individual.

Fulgent Genetics
Classification: Likely pathogenic for Ichthyosis prematurity syndrome. Last evaluated: 2024-05-16. Review status: criteria provided, single submitter. Criteria: ACMG Guidelines, 2015. Collection method: clinical testing. Allele origin: germline.